The following is an entry in ClinVar:

NM_000059.4(BRCA2):c.10034C>T (p.Ala3345Val)

Gene: BRCA2 (BRCA2 DNA repair associated; plus strand). Cytogenetic location: 13q13.1.
Variant type: single nucleotide variant.
Coding change: c.10034C>T on transcript NM_000059.4 (MANE Select); coding-DNA position 10034, C replaced by T.
Protein change: p.Ala3345Val; replaces alanine 3345 with valine.
Molecular consequence: missense variant.
Genome position (GRCh38, 1-based): chr13:32,398,547, C>T. VCF-style: chr13-32398547-C-T. GRCh37 (hg19) VCF-style: chr13-32972684-C-T.
Other names: short protein forms A3345V.
Identifiers: ClinVar variation 818237 (VCV000818237.12), dbSNP rs1593202201, ClinGen allele CA387767780.

ClinVar aggregate classification (germline): Uncertain significance. Review status: criteria provided, multiple submitters, no conflicts (2 of 4 stars). 2 submissions from 2 submitters: Uncertain significance (2). Last evaluated 2021-03-23.

Conditions:
Hereditary cancer-predisposing syndrome. Also called: Tumor predisposition; Hereditary neoplastic syndrome; Neoplastic Syndromes, Hereditary; Hereditary Cancer Syndrome. Identifiers: Orphanet 140162, MedGen C0027672, MeSH D009386, MONDO:0015356.
Hereditary breast ovarian cancer syndrome. Also called: Hereditary breast and ovarian cancer syndrome (HBOC); Breast and ovarian cancer; BRCA1- and BRCA2-Associated Hereditary Breast and Ovarian Cancer; Hereditary breast and/or ovarian cancer syndrome; Hereditary breast and ovarian cancer syndrome; Hereditary breast and ovarian cancer. Identifiers: Orphanet 145, MedGen C0677776, MeSH D061325, MONDO:0003582. Disease mechanism: loss of function.

Allele frequency attached by ClinVar (database versions not stated): gnomAD exomes below 0.00001.
gnomAD v4.1: 1 of 1,614,128 alleles (0.000062%); highest among the groups gnomAD compares: Non-Finnish European, 0.000085%; no homozygotes.

Submissions (2):

Labcorp Genetics (formerly Invitae), Labcorp
Classification: Uncertain significance for Hereditary breast ovarian cancer syndrome. Last evaluated: 2021-03-23. Review status: criteria provided, single submitter. Criteria: Invitae Variant Classification Sherloc (09022015). Collection method: clinical testing. Allele origin: germline.
Comment: This sequence change replaces alanine with valine at codon 3345 of the BRCA2 protein (p.Ala3345Val). The alanine residue is highly conserved and there is a small physicochemical difference between alanine and valine. This variant is not present in population databases (ExAC no frequency). This variant has not been reported in the literature in individuals with BRCA2-related conditions. ClinVar contains an entry for this variant (Variation ID: 818237). Advanced modeling of protein sequence and biophysical properties (such as structural, functional, and spatial information, amino acid conservation, physicochemical variation, residue mobility, and thermodynamic stability) performed at Invitae indicates that this missense variant is not expected to disrupt BRCA2 protein function. In summary, the available evidence is currently insufficient to determine the role of this variant in disease. Therefore, it has been classified as a Variant of Uncertain Significance.

Ambry Genetics
Classification: Uncertain significance for Hereditary cancer-predisposing syndrome. Last evaluated: 2018-10-09. Review status: criteria provided, single submitter. Criteria: Ambry Variant Classification Scheme 2023. Collection method: clinical testing. Allele origin: germline.
Comment: The p.A3345V variant (also known as c.10034C>T), located in coding exon 26 of the BRCA2 gene, results from a C to T substitution at nucleotide position 10034. The alanine at codon 3345 is replaced by valine, an amino acid with similar properties. This amino acid position is highly conserved in available vertebrate species. In addition, this alteration is predicted to be tolerated by in silico analysis. Since supporting evidence is limited at this time, the clinical significance of this alteration remains unclear.